The following is an entry in ClinVar:

NM_001083962.2(TCF4):c.1145T>C (p.Leu382Ser)

Gene: TCF4 (transcription factor 4; minus strand). Cytogenetic location: 18q21.2.
Variant type: single nucleotide variant.
Coding change: c.1145T>C on transcript NM_001083962.2 (MANE Select); coding-DNA position 1145, T replaced by C.
Protein change: p.Leu382Ser; replaces leucine 382 with serine.
Molecular consequence: missense variant.
Genome position (GRCh38, 1-based): chr18:55,257,316, A>G on the plus strand (T>C on the coding strand, the complement: TCF4 is on the minus strand). VCF-style: chr18-55257316-A-G. GRCh37 (hg19) VCF-style: chr18-52924547-A-G.
Other names: c.1451T>C, p.Leu484Ser (NM_001243226.3); c.1073T>C, p.Leu358Ser (NM_001243227.2, NM_001306207.1, NM_001348217.1 and 5 more transcripts); c.1163T>C, p.Leu388Ser (NM_001243228.2); c.1136T>C, p.Leu379Ser (NM_001243230.2); c.1019T>C, p.Leu340Ser (NM_001243231.2, NM_001348211.2); c.932T>C, p.Leu311Ser (NM_001243232.1, NM_001306208.1); c.755T>C, p.Leu252Ser (NM_001243233.2, NM_001330605.3, NM_001348212.2 and 1 more transcripts); c.665T>C, p.Leu222Ser (NM_001243234.2, NM_001243235.2, NM_001243236.2 and 1 more transcripts); and 6 more; short protein forms L166S, L221S, L222S, L252S, L311S, L340S, L357S, L358S.
Identifiers: ClinVar variation 2504946 (VCV002504946.4), dbSNP rs1555770450, ClinGen allele CA402534135.
Genomic context (GRCh38, chr18:55,257,316, plus strand): 5'-GAACAAGAAAGAACATGACCTGAAAATGGGTGGGACAGAGATTAGCAAATGAGACATACC[A>G]AAGAGTGTAAGGGTCCTTCATAATTAGGAGACGATGAGGCCTGTCCTCCATTTCTAGACC-3'
Protein context (NP_001077431.1, residues 372-392): SPNYEGPLHS[Leu382Ser]QSRIEDRLER

ClinVar aggregate classification (germline): Uncertain significance. Review status: criteria provided, multiple submitters, no conflicts (2 of 4 stars). 3 submissions from 3 submitters: Uncertain significance (3). Last evaluated 2025-11-13.

Conditions:
Inborn genetic diseases. Identifiers: MedGen C0950123, MeSH D030342.
Pitt-Hopkins syndrome (PTHS). Also called: ENCEPHALOPATHY, SEVERE EPILEPTIC, WITH AUTONOMIC DYSFUNCTION; MENTAL RETARDATION, SYNDROMAL, WITH INTERMITTENT HYPERVENTILATION. Identifiers: Orphanet 2896, MedGen C1970431, MONDO:0012589, OMIM 610954.

Allele frequency attached by ClinVar (database versions not stated): gnomAD exomes below 0.00001.
gnomAD v4.1: 1 of 1,613,606 alleles (0.000062%); highest among the groups gnomAD compares: South Asian, 0.0011%; no homozygotes.

Submissions (3):

Labcorp Genetics (formerly Invitae), Labcorp
Classification: Uncertain significance for Pitt-Hopkins syndrome. Last evaluated: 2025-11-13. Review status: criteria provided, single submitter. Criteria: Invitae Variant Classification Sherloc (09022015). Collection method: clinical testing. Allele origin: germline.
Comment: This sequence change replaces leucine, which is neutral and non-polar, with serine, which is neutral and polar, at codon 382 of the TCF4 protein (p.Leu382Ser). This variant is not present in population databases (gnomAD no frequency). This variant has not been reported in the literature in individuals affected with TCF4-related conditions. ClinVar contains an entry for this variant (Variation ID: 2504946). An algorithm developed to predict the effect of missense changes on protein structure and function (PolyPhen-2) suggests that this variant is likely to be disruptive. In summary, the available evidence is currently insufficient to determine the role of this variant in disease. Therefore, it has been classified as a Variant of Uncertain Significance.

GeneDx
Classification: Uncertain significance. Last evaluated: 2024-06-24. Review status: criteria provided, single submitter. Criteria: GeneDx Variant Classification Process June 2021. Collection method: clinical testing. Allele origin: germline.
Comment: Not observed at significant frequency in large population cohorts (gnomAD); In silico analysis supports that this missense variant has a deleterious effect on protein structure/function; Has not been previously published as pathogenic or benign to our knowledge

Ambry Genetics
Classification: Uncertain significance for Inborn genetic diseases. Last evaluated: 2024-05-09. Review status: criteria provided, single submitter. Criteria: Ambry Variant Classification Scheme 2023. Collection method: clinical testing. Allele origin: germline.
Comment: The c.1145T>C (p.L382S) alteration is located in exon 14 (coding exon 13) of the TCF4 gene. This alteration results from a T to C substitution at nucleotide position 1145, causing the leucine (L) at amino acid position 382 to be replaced by a serine (S). This variant was not reported in population-based cohorts in the Genome Aggregation Database (gnomAD). This amino acid position is highly conserved in available vertebrate species. This missense alteration is located in a region that has a low rate of benign missense variation (Lek, 2016; Firth, 2009). This alteration is predicted to be deleterious by in silico analysis. Based on insufficient or conflicting evidence, the clinical significance of this alteration remains unclear.